The following is an entry in ClinVar:

NM_001330700.2(TOP2B):c.2508G>C (p.Arg836Ser)

Gene: TOP2B (DNA topoisomerase II beta; minus strand). Cytogenetic location: 3p24.2.
Variant type: single nucleotide variant.
Coding change: c.2508G>C on transcript NM_001330700.2 (MANE Select); coding-DNA position 2508, G replaced by C.
Protein change: p.Arg836Ser; replaces arginine 836 with serine.
Molecular consequence: missense variant.
Genome position (GRCh38, 1-based): chr3:25,623,734, C>G on the plus strand (G>C on the coding strand, the complement: TOP2B is on the minus strand). VCF-style: chr3-25623734-C-G. GRCh37 (hg19) VCF-style: chr3-25665225-C-G.
Other names: c.2493G>C, p.Arg831Ser (NM_001068.3); short protein forms R831S, R836S.
Identifiers: ClinVar variation 3659044 (VCV003659044.2).

ClinVar aggregate classification (germline): Uncertain significance (1 of 4 stars; one submission).

gnomAD v4.1: 2 of 1,611,356 alleles (0.00012%); highest among the groups gnomAD compares: South Asian, 0.0011%; no homozygotes.

Submission:

Labcorp Genetics (formerly Invitae), Labcorp
Classification: Uncertain significance. Last evaluated: 2024-07-08. Review status: criteria provided, single submitter. Criteria: Invitae Variant Classification Sherloc (09022015). Collection method: clinical testing. Allele origin: germline.
Comment: This sequence change replaces arginine, which is basic and polar, with serine, which is neutral and polar, at codon 831 of the TOP2B protein (p.Arg831Ser). This variant is present in population databases (no rsID available, gnomAD 0.003%). This variant has not been reported in the literature in individuals affected with TOP2B-related conditions. An algorithm developed to predict the effect of missense changes on protein structure and function (PolyPhen-2) suggests that this variant is likely to be disruptive. In summary, the available evidence is currently insufficient to determine the role of this variant in disease. Therefore, it has been classified as a Variant of Uncertain Significance.